The following is an entry in ClinVar:

ClinVar aggregate classification (germline): Likely benign (1 of 4 stars; one submission).

Allele frequency attached by ClinVar (database versions not stated): gnomAD 0.00009; gnomAD exomes 0.00009; ExAC 0.00012; TOPMed 0.00012; ESP Exome Variant Server 0.00015.
gnomAD v4.1: 161 of 1,614,036 alleles (0.01%); highest among the groups gnomAD compares: Admixed American, 0.012%; no homozygotes.

Submission:

CeGaT Center for Human Genetics Tuebingen
Classification: Likely benign. Last evaluated: 2023-01-01. Review status: criteria provided, single submitter. Criteria: CeGaT Center For Human Genetics Tuebingen Variant Classification Criteria Version 2. Collection method: clinical testing. Allele origin: germline. Affected: yes. Observed: 1 variant allele.
Comment: PLCH1: BP4, BP7

NM_014996.4(PLCH1):c.3870G>A (p.Ala1290=)

Gene: PLCH1 (phospholipase C eta 1; minus strand). Cytogenetic location: 3q25.31.
Variant type: single nucleotide variant.
Coding change: c.3870G>A on transcript NM_014996.4 (MANE Select); coding-DNA position 3870, G replaced by A.
Protein change: p.Ala1290=; no amino-acid change (alanine 1290 retained).
Molecular consequence: synonymous variant. On other transcripts: 3 prime UTR variant (3).
Genome position (GRCh38, 1-based): chr3:155,482,156, C>T on the plus strand (G>A on the coding strand, the complement: PLCH1 is on the minus strand). VCF-style: chr3-155482156-C-T. GRCh37 (hg19) VCF-style: chr3-155199945-C-T.
Other names: c.3894G>A, p.Ala1298= (NM_001130960.2); c.*913G>A (NM_001130961.2); c.*910G>A (NM_001349250.2, NM_001349252.2); c.3867G>A, p.Ala1289= (NM_001349251.2).
Identifiers: ClinVar variation 2654248 (VCV002654248.24), dbSNP rs146057173, ClinGen allele CA2676022.
Genomic context (GRCh38, chr3:155,482,156, plus strand): 5'-ACTTTTTGGTAACCAGCCACGAGAAGTATTAGGGGATCCAGGCAGGTTGCTTTCTAAGGC[C>T]GCTGTCTTGGCCTTACTAGAAAGGTCATCATCTGGTTTGGTTTTAGAGATGGGAGTGCAG-3'
Protein context (NP_055811.2, residues 1280-1300): DDDLSSKAKT[Ala1290=]ALESNLPGSP